The following is an entry in ClinVar:

NM_017934.7(PHIP):c.4482A>G (p.Ile1494Met)

Genes: IRAK1BP1 (interleukin 1 receptor associated kinase 1 binding protein 1; plus strand), PHIP (PHIP subunit of CUL4-Ring ligase complex; minus strand). Cytogenetic location: 6q14.1.
Variant type: single nucleotide variant.
Coding change: c.4482A>G on transcript NM_017934.7 (MANE Select); coding-DNA position 4482, A replaced by G.
Protein change: p.Ile1494Met; replaces isoleucine 1494 with methionine.
Molecular consequence: missense variant.
Genome position (GRCh38, 1-based): chr6:78,946,149, T>C on the plus strand (A>G on the coding strand, the complement: PHIP is on the minus strand). VCF-style: chr6-78946149-T-C. GRCh37 (hg19) VCF-style: chr6-79655866-T-C.
Other names: short protein forms I1494M.
Identifiers: ClinVar variation 2656714 (VCV002656714.24), dbSNP rs1184766969, ClinGen allele CA364637491.
Genomic context (GRCh38, chr6:78,946,149, plus strand): 5'-ATCTACAACCACTCGGTTGCTTCTGGTTCGAACCACAGAACTAGATTCTGTTTTACCGTT[T>C]ATCTGAGCAGCATTGTGTCTTGGCGGTATTGATCGTGTAGGTGTAGAGAATGCAGAGGTA-3'
Protein context (NP_060404.4, residues 1484-1504): SIPPRHNAAQ[Ile1494Met]NGKTESSSVV

ClinVar aggregate classification (germline): Uncertain significance (1 of 4 stars; one submission).

Allele frequency attached by ClinVar (database versions not stated): gnomAD exomes 0.00001.
gnomAD v4.1: 5 of 1,614,136 alleles (0.00031%); no homozygotes.

Submission:

CeGaT Center for Human Genetics Tuebingen
Classification: Uncertain significance. Last evaluated: 2023-08-01. Review status: criteria provided, single submitter. Criteria: CeGaT Center For Human Genetics Tuebingen Variant Classification Criteria Version 2. Collection method: clinical testing. Allele origin: germline. Affected: yes. Observed: 1 variant allele.
Comment: PHIP: PM2, BP4